The following is an entry in ClinVar:

ClinVar aggregate classification (germline): Likely benign. Review status: criteria provided, multiple submitters, no conflicts (2 of 4 stars). 2 submissions from 2 submitters: Likely benign (2). Last evaluated 2026-07-01.

Allele frequency attached by ClinVar (database versions not stated): gnomAD exomes 0.00002; ExAC 0.00003; TOPMed 0.00001; gnomAD 0.00003.
gnomAD v4.1: 32 of 1,613,928 alleles (0.002%); highest among the groups gnomAD compares: Non-Finnish European, 0.0025%; no homozygotes.

Submissions (2):

CeGaT Center for Human Genetics Tuebingen
Classification: Likely benign. Last evaluated: 2026-07-01. Review status: criteria provided, single submitter. Criteria: CeGaT Center For Human Genetics Tuebingen Variant Classification Criteria Version 2. Collection method: clinical testing. Allele origin: germline. Affected: yes. Observed: 1 variant allele.
Comment: GINS1: BP4, BP7

Labcorp Genetics (formerly Invitae), Labcorp
Classification: Likely benign. Last evaluated: 2024-02-06. Review status: criteria provided, single submitter. Criteria: Invitae Variant Classification Sherloc (09022015). Collection method: clinical testing. Allele origin: germline.

NM_021067.5(GINS1):c.25C>T (p.Leu9=)

Genes: GINS1 (GINS complex subunit 1; plus strand), LOC130065587 (ATAC-STARR-seq lymphoblastoid active region 17669; plus strand). Cytogenetic location: 20p11.21.
Variant type: single nucleotide variant.
Coding change: c.25C>T on transcript NM_021067.5 (MANE Select); coding-DNA position 25, C replaced by T.
Protein change: p.Leu9=; no amino-acid change (leucine 9 retained).
Molecular consequence: synonymous variant. On other transcripts: non-coding transcript variant (1).
Genome position (GRCh38, 1-based): chr20:25,407,845, C>T. VCF-style: chr20-25407845-C-T. GRCh37 (hg19) VCF-style: chr20-25388481-C-T.
Other names: c.25C>T, p.Leu9= (NM_001410830.1, NM_001410831.1).
Identifiers: ClinVar variation 3023740 (VCV003023740.4), dbSNP rs779358133, ClinGen allele CA9796368.